The following is an entry in ClinVar:

ClinVar aggregate classification (germline): Conflicting classifications of pathogenicity. Review status: criteria provided, conflicting classifications (1 of 4 stars). 3 submissions from 3 submitters: Uncertain significance (2); Likely benign (1). Last evaluated 2026-03-19.

Conditions:
TTN-related disorder. Also called: TTN-related condition; TTN-related disease; TTN-related disorders.

Allele frequency attached by ClinVar (database versions not stated): gnomAD 0.00003; gnomAD exomes 0.00003 and 0.00004; ExAC 0.00005; TOPMed 0.00008.
gnomAD v4.1: 55 of 1,614,002 alleles (0.0034%); highest among the groups gnomAD compares: Admixed American, 0.013%; no homozygotes.

Submissions (3):

PreventionGenetics, part of Exact Sciences
Classification: Uncertain significance for TTN-related condition. Last evaluated: 2026-03-19. Review status: criteria provided, single submitter. Criteria: ACMG Guidelines, 2015. Collection method: clinical testing. Allele origin: germline.
Comment: The TTN c.2650G>A variant is predicted to result in the amino acid substitution p.Ala884Thr. To our knowledge, this variant has not been reported in the literature. This variant is reported in 0.011% of alleles in individuals of Latino descent in gnomAD. At this time, the clinical significance of this variant is uncertain due to the absence of conclusive functional and genetic evidence.

GeneDx
Classification: Likely benign. Last evaluated: 2018-11-05. Review status: criteria provided, single submitter. Criteria: GeneDx Variant Classification Process June 2021. Collection method: clinical testing. Allele origin: germline. Affected: yes.

Eurofins Ntd Llc (ga)
Classification: Uncertain significance. Last evaluated: 2017-05-24. Review status: criteria provided, single submitter. Criteria: EGL Classification Definitions 2015. Collection method: clinical testing. Allele origin: germline. Observed: 1 variant allele, 1 heterozygote.

NM_001267550.2(TTN):c.2650G>A (p.Ala884Thr)

Gene: TTN (titin; minus strand). Cytogenetic location: 2q31.2.
Variant type: single nucleotide variant.
Coding change: c.2650G>A on transcript NM_001267550.2 (MANE Select); coding-DNA position 2650, G replaced by A.
Protein change: p.Ala884Thr; replaces alanine 884 with threonine.
Molecular consequence: missense variant.
Genome position (GRCh38, 1-based): chr2:178,784,195, C>T on the plus strand (G>A on the coding strand, the complement: TTN is on the minus strand). VCF-style: chr2-178784195-C-T. GRCh37 (hg19) VCF-style: chr2-179648922-C-T.
Other names: c.2650G>A, p.Ala884Thr (NM_001256850.1, NM_133378.4, NM_133379.5); c.2512G>A, p.Ala838Thr (NM_003319.4, NM_133432.3, NM_133437.4); short protein forms A884T, A838T.
Identifiers: ClinVar variation 502075 (VCV000502075.9), dbSNP rs772195446, ClinGen allele CA2005768.